The following is an entry in ClinVar:

ClinVar aggregate classification (germline): Uncertain significance. Review status: criteria provided, multiple submitters, no conflicts (2 of 4 stars). 2 submissions from 2 submitters: Uncertain significance (2). Last evaluated 2025-08-07.

Conditions:
Hereditary cancer-predisposing syndrome. Also called: Hereditary Cancer Syndrome; Tumor predisposition; Hereditary neoplastic syndrome; Neoplastic Syndromes, Hereditary. Identifiers: Orphanet 140162, MedGen C0027672, MeSH D009386, MONDO:0015356.
Tuberous sclerosis 1 (TSC1). Identifiers: Orphanet 805, MedGen C1854465, MONDO:0008612, OMIM 191100.

Allele frequency attached by ClinVar (database versions not stated): gnomAD exomes below 0.00001; TOPMed below 0.00001; gnomAD 0.00001.
gnomAD v4.1: 2 of 1,614,070 alleles (0.00012%); highest among the groups gnomAD compares: Non-Finnish European, 0.000085%; no homozygotes.

Submissions (2):

Ambry Genetics
Classification: Uncertain significance for Hereditary cancer-predisposing syndrome. Last evaluated: 2025-08-07. Review status: criteria provided, single submitter. Criteria: Ambry Variant Classification Scheme 2023. Collection method: clinical testing. Allele origin: germline.
Comment: The p.P1142L variant (also known as c.3425C>T), located in coding exon 21 of the TSC1 gene, results from a C to T substitution at nucleotide position 3425. The proline at codon 1142 is replaced by leucine, an amino acid with similar properties. This amino acid position is not well conserved in available vertebrate species. In addition, this alteration is predicted to be tolerated by in silico analysis. Based on the available evidence, the clinical significance of this variant remains unclear.

Labcorp Genetics (formerly Invitae), Labcorp
Classification: Uncertain significance for Tuberous sclerosis 1. Last evaluated: 2022-10-23. Review status: criteria provided, single submitter. Criteria: Invitae Variant Classification Sherloc (09022015). Collection method: clinical testing. Allele origin: germline.
Comment: In summary, the available evidence is currently insufficient to determine the role of this variant in disease. Therefore, it has been classified as a Variant of Uncertain Significance. Algorithms developed to predict the effect of missense changes on protein structure and function are either unavailable or do not agree on the potential impact of this missense change (SIFT: "Deleterious"; PolyPhen-2: "Benign"; Align-GVGD: "Class C0"). ClinVar contains an entry for this variant (Variation ID: 1052070). This variant has not been reported in the literature in individuals affected with TSC1-related conditions. This variant is not present in population databases (gnomAD no frequency). This sequence change replaces proline, which is neutral and non-polar, with leucine, which is neutral and non-polar, at codon 1142 of the TSC1 protein (p.Pro1142Leu).

NM_000368.5(TSC1):c.3425C>T (p.Pro1142Leu)

Gene: TSC1 (TSC complex subunit 1; minus strand). Cytogenetic location: 9q34.13.
Variant type: single nucleotide variant.
Coding change: c.3425C>T on transcript NM_000368.5 (MANE Select); coding-DNA position 3425, C replaced by T.
Protein change: p.Pro1142Leu; replaces proline 1142 with leucine.
Molecular consequence: missense variant.
Genome position (GRCh38, 1-based): chr9:132,896,305, G>A on the plus strand (C>T on the coding strand, the complement: TSC1 is on the minus strand). VCF-style: chr9-132896305-G-A. GRCh37 (hg19) VCF-style: chr9-135771692-G-A.
Other names: c.3062C>T, p.Pro1021Leu (NM_001362177.2); c.3425C>T (NM_000368.4); c.3422C>T, p.Pro1141Leu (NM_001162426.2); c.3272C>T, p.Pro1091Leu (NM_001162427.2); short protein forms P1021L, P1091L, P1141L, P1142L.
Identifiers: ClinVar variation 1052070 (VCV001052070.8), dbSNP rs1207133391, ClinGen allele CA375366399.